The following is an entry in ClinVar:

ClinVar aggregate classification (germline): Conflicting classifications of pathogenicity. Review status: criteria provided, conflicting classifications (1 of 4 stars). 3 submissions from 3 submitters: Likely pathogenic (2); Uncertain significance (1). Last evaluated 2025-07-11.

Conditions:
Al-Gazali syndrome. Also called: Al Gazali Al Talabani syndrome; Eye defects arachnodactyly cardiopathy. Identifiers: MedGen C1836121, MONDO:0012282, OMIM 609465.
Ehlers-Danlos syndrome, spondylodysplastic type, 2 (EDSSPD2). Also called: Ehlers-Danlos syndrome, progeroid type, 2. Identifiers: Orphanet 536467, Orphanet 75496, MedGen C3809210, MONDO:0014139, OMIM 615349.
Spondyloepimetaphyseal dysplasia with joint laxity, type 1, with or without fractures (SEMDJL1). Also called: SPONDYLOEPIMETAPHYSEAL DYSPLASIA WITH JOINT LAXITY, TYPE 1. Identifiers: Orphanet 642099, Orphanet 93359, MedGen C4017377, MONDO:0010075, OMIM 271640.
Spondyloepimetaphyseal dysplasia with joint laxity (SEMDJL). Identifiers: MedGen C0432243, MONDO:0019675.

Allele frequency attached by ClinVar (database versions not stated): gnomAD exomes 0.00001; ExAC 0.00003; gnomAD 0.00001.

Submissions (3):

First Genomix Gene Laboratory, Genetic Diagnostics Department
Classification: Likely pathogenic for Al-Gazali syndrome; Ehlers-Danlos syndrome, spondylodysplastic type, 2; Spondyloepimetaphyseal dysplasia with joint laxity, type 1, with or without fractures. Last evaluated: 2025-07-11. Review status: criteria provided, single submitter. Criteria: ACMG Guidelines, 2015. Collection method: clinical testing. Allele origin: germline. Inheritance: Autosomal recessive inheritance. Affected: no. Observed: 1 variant allele.

GeneDx
Classification: Likely pathogenic. Last evaluated: 2025-05-06. Review status: criteria provided, single submitter. Criteria: GeneDx Variant Classification Process June 2021. Collection method: clinical testing. Allele origin: germline. Affected: yes.
Comment: Observed with a second variant, phase unknown, in a patient with multiple skeletal anomalies including scoliosis, contractures, clubfeet, and dislocated hips in the published literature (PMID: 29931299); Not observed at significant frequency in large population cohorts (gnomAD); In silico analysis supports that this missense variant has a deleterious effect on protein structure/function; This variant is associated with the following publications: (PMID: 37657630, 29931299)

Labcorp Genetics (formerly Invitae), Labcorp
Classification: Uncertain significance for Ehlers-Danlos syndrome, spondylodysplastic type, 2; Spondyloepimetaphyseal dysplasia with joint laxity. Last evaluated: 2021-08-13. Review status: criteria provided, single submitter. Criteria: Invitae Variant Classification Sherloc (09022015). Collection method: clinical testing. Allele origin: germline.

NM_080605.4(B3GALT6):c.631C>T (p.Pro211Ser)

Gene: B3GALT6 (beta-1,3-galactosyltransferase 6; plus strand). Cytogenetic location: 1p36.33.
Variant type: single nucleotide variant.
Coding change: c.631C>T on transcript NM_080605.4 (MANE Select); coding-DNA position 631, C replaced by T.
Protein change: p.Pro211Ser; replaces proline 211 with serine.
Molecular consequence: missense variant.
Genome position (GRCh38, 1-based): chr1:1,232,909, C>T. VCF-style: chr1-1232909-C-T. GRCh37 (hg19) VCF-style: chr1-1168289-C-T.
Other names: c.631C>T (NM_080605.3); short protein forms P211S.
Identifiers: ClinVar variation 1063834 (VCV001063834.7), dbSNP rs760685441, ClinGen allele CA513409.